The following is an entry in ClinVar:

ClinVar aggregate classification (germline): Conflicting classifications of pathogenicity. Review status: criteria provided, conflicting classifications (1 of 4 stars). 3 submissions from 3 submitters: Likely pathogenic (1); Uncertain significance (2). Last evaluated 2024-09-18.

Conditions:
ELN-related disorder.

Submissions (3):

GeneDx
Classification: Uncertain significance. Last evaluated: 2024-09-18. Review status: criteria provided, single submitter. Criteria: GeneDx Variant Classification Process June 2021. Collection method: clinical testing. Allele origin: germline. Affected: yes.
Comment: Not observed at significant frequency in large population cohorts (gnomAD); Frameshift variant predicted to result in abnormal protein length as the last 34 amino acids are replaced with 56 different amino acids; Has not been previously published as pathogenic or benign to our knowledge

Blueprint Genetics
Classification: Uncertain significance. Last evaluated: 2023-11-02. Review status: criteria provided, single submitter. Criteria: ACMG Guidelines, 2015. Collection method: clinical testing. Allele origin: germline.

PreventionGenetics, part of Exact Sciences
Classification: Likely pathogenic for ELN-related condition. Last evaluated: 2023-10-11. Review status: criteria provided, single submitter. Criteria: ACMG Guidelines, 2015. Collection method: clinical testing. Allele origin: germline.
Comment: The ELN c.2070dupG variant is predicted to result in a frameshift and premature protein termination (p.Gln691Alafs*57). This variant has been reported in a study of individuals with congenital heart disease, however specific patient information was not provided (Reported via g.73480308, eTable 4, Blinded.ID 1-02958, replication cohort, Morton et al. 2021. PubMed ID: 33084842). This variant is reported in 0.0065% of alleles in individuals of European (Non-Finnish) descent in gnomAD. This variant is present in an exon that may be alternatively spliced out in certain ELN transcripts (Zhang et al. 1999. PubMed ID: 9873040). The relative expression/usage of this exon is also low compared to other exons among ELN transcripts. A nearby frameshift variant in this exon has been reported to be associated with cutis laxa (Tassabehji et al. 1998. PubMed ID: 9580666, described as a deletion of a single adenine in codon 748). Frameshift variants in ELN are expected to be pathogenic. This variant is interpreted as likely pathogenic.

NM_000501.4(ELN):c.2070dup (p.Gln691fs)

Gene: ELN (elastin; plus strand). Cytogenetic location: 7q11.23.
Variant type: Duplication.
Coding change: c.2070dup on transcript NM_000501.4 (MANE Select); coding-DNA position 2070, one base duplicated (G; older notation c.2070dupG).
Protein change: p.Gln691fs; shifts the reading frame from glutamine 691.
Molecular consequence: frameshift variant. On other transcripts: intron variant (6).
Genome position (GRCh38, 1-based): chr7:74,065,981, G duplicated; the last of 3 consecutive G bases (chr7:74,065,979-74,065,981); duplicating any one gives the same sequence. VCF-style (leftmost placement, unchanged base first): chr7-74065978-C-CG. GRCh37 (hg19) VCF-style: chr7-73480308-C-CG.
Other names: c.2013dup, p.Gln672fs (NM_001081755.3); c.1827dup, p.Gln610fs (NM_001278913.2); c.1998dup, p.Gln667fs (NM_001278914.2); c.2088dup, p.Gln697fs (NM_001278915.2); c.2040dup, p.Gln681fs (NM_001278917.2); c.2256dup, p.Gln753fs (NM_001278939.2); c.2047+249dup (NM_001081754.3); c.1990+249dup (NM_001081753.3); and 5 more; short protein forms Q610fs, Q667fs, Q672fs, Q681fs, Q691fs, Q697fs, Q753fs.
Identifiers: ClinVar variation 2636875 (VCV002636875.3), dbSNP rs1304441113, ClinGen allele CA575337097.